The following is an entry in ClinVar:

ClinVar aggregate classification (germline): Uncertain significance (1 of 4 stars; one submission).

Submission:

GeneDx
Classification: Uncertain significance. Last evaluated: 2023-11-22. Review status: criteria provided, single submitter. Criteria: GeneDx Variant Classification Process June 2021. Collection method: clinical testing. Allele origin: germline. Affected: yes.
Comment: Not observed at significant frequency in large population cohorts (gnomAD); In silico analysis supports that this missense variant does not alter protein structure/function; Has not been previously published as pathogenic or benign to our knowledge

NM_139318.5(KCNH5):c.2647A>T (p.Ser883Cys)

Gene: KCNH5 (potassium voltage-gated channel subfamily H member 5; minus strand). Cytogenetic location: 14q23.2.
Variant type: single nucleotide variant.
Coding change: c.2647A>T on transcript NM_139318.5 (MANE Select); coding-DNA position 2647, A replaced by T.
Protein change: p.Ser883Cys; replaces serine 883 with cysteine.
Molecular consequence: missense variant. On other transcripts: 3 prime UTR variant (1).
Genome position (GRCh38, 1-based): chr14:62,707,828, T>A on the plus strand (A>T on the coding strand, the complement: KCNH5 is on the minus strand). VCF-style: chr14-62707828-T-A. GRCh37 (hg19) VCF-style: chr14-63174546-T-A.
Other names: c.*614A>T (NM_172375.3); short protein forms S883C.
Identifiers: ClinVar variation 3364630 (VCV003364630.1).